The following is an entry in ClinVar:

ClinVar aggregate classification (germline): Uncertain significance (1 of 4 stars; one submission).

Submission:

GeneDx
Classification: Uncertain significance. Last evaluated: 2022-09-16. Review status: criteria provided, single submitter. Criteria: GeneDx Variant Classification Process June 2021. Collection method: clinical testing. Allele origin: germline. Affected: yes.
Comment: Not observed at significant frequency in large population cohorts (gnomAD); In silico analysis supports that this missense variant does not alter protein structure/function; Has not been previously published as pathogenic or benign to our knowledge

NM_001282531.3(ADNP):c.2002C>T (p.Leu668Phe)

Gene: ADNP (activity dependent neuroprotector homeobox; minus strand). Cytogenetic location: 20q13.13.
Variant type: single nucleotide variant.
Coding change: c.2002C>T on transcript NM_001282531.3 (MANE Select); coding-DNA position 2002, C replaced by T.
Protein change: p.Leu668Phe; replaces leucine 668 with phenylalanine.
Molecular consequence: missense variant.
Genome position (GRCh38, 1-based): chr20:50,892,712, G>A on the plus strand (C>T on the coding strand, the complement: ADNP is on the minus strand). VCF-style: chr20-50892712-G-A. GRCh37 (hg19) VCF-style: chr20-49509249-G-A.
Other names: c.2002C>T, p.Leu668Phe (NM_001282532.2, NM_001347511.2, NM_015339.5 and 1 more transcripts); short protein forms L668F.
Identifiers: ClinVar variation 2444771 (VCV002444771.1), dbSNP rs2515581490, ClinGen allele CA408971558.